The following is an entry in ClinVar:

NM_130837.3(OPA1):c.6G>A (p.Trp2Ter)

Gene: OPA1 (OPA1 mitochondrial dynamin like GTPase; plus strand). Cytogenetic location: 3q29.
Variant type: single nucleotide variant.
Coding change: c.6G>A on transcript NM_130837.3 (MANE Select); coding-DNA position 6, G replaced by A.
Protein change: p.Trp2Ter; replaces tryptophan 2 with a stop codon.
Molecular consequence: nonsense. On other transcripts: 5 prime UTR variant (2).
Genome position (GRCh38, 1-based): chr3:193,593,383, G>A. VCF-style: chr3-193593383-G-A. GRCh37 (hg19) VCF-style: chr3-193311172-G-A.
Other names: c.-425G>A (NM_001354663.2, NM_001354664.2); c.6G>A, p.Trp2Ter (NM_015560.3, NM_130831.3, NM_130832.3 and 4 more transcripts); short protein forms W2*.
Identifiers: ClinVar variation 2684284 (VCV002684284.2), dbSNP rs2474395788, ClinGen allele CA355785440.
Genomic context (GRCh38, chr3:193,593,383, plus strand): 5'-CACGGGGGCTCCCGCGTGGCCGTCTCGGCGCCTGCGTGACCTCCCCGCCGGCGGGATGTG[G>A]CGACTACGTCGGGCCGCTGTGGCCTGGTAAGTGCAGGCTCTAATCTGGCCCCGTTAATTC-3'

ClinVar aggregate classification (germline): Likely pathogenic. Review status: criteria provided, single submitter (1 of 4 stars). 2 submissions from 2 submitters: Likely pathogenic (1). 1 of the submissions does not count toward it. Last evaluated 2023-04-09.

Conditions:
Optic atrophy. Identifiers: MedGen C0029124, MONDO:0003608, HP:0000648.

Submissions (2):

Athena Diagnostics
Classification: Likely pathogenic. Last evaluated: 2023-04-09. Review status: criteria provided, single submitter. Criteria: Athena Diagnostics Criteria. Collection method: clinical testing. Allele origin: unknown.
Comment: This variant is expected to severely disrupt protein function. This variant has not been reported in large, multi-ethnic general populations. This variant has been identified in at least one individual with autosomal dominant optic atrophy. The variant is located in a region that is considered important for protein function and/or structure.

Institute of Human Genetics, Univ. Regensburg, Univ. Regensburg
Classification: Pathogenic for Optic atrophy. Last evaluated: 2010-01-01. Review status: no assertion criteria provided. Criteria: ACMG Guidelines, 2015. Collection method: clinical testing. Allele origin: germline. Affected: yes. Not counted in ClinVar's aggregate classification.

Literature cited by the submitters: PubMed 34242285 (cited by Athena Diagnostics); PubMed 17722006 (cited by Athena Diagnostics); PubMed 11440988 (cited by Athena Diagnostics).